The following is an entry in ClinVar:

ClinVar aggregate classification (germline): Pathogenic. Review status: criteria provided, multiple submitters, no conflicts (2 of 4 stars). 2 submissions from 2 submitters: Pathogenic (2). Last evaluated 2025-12-08.

Conditions:
Combined deficiency of sialidase AND beta galactosidase (GSL). Also called: NEURAMINIDASE DEFICIENCY WITH BETA-GALACTOSIDASE DEFICIENCY; NEURAMINIDASE/BETA-GALACTOSIDASE EXPRESSION; PPCA DEFICIENCY; PROTECTIVE PROTEIN/CATHEPSIN A DEFICIENCY; Galactosialidosis; CATHEPSIN A DEFICIENCY. Identifiers: Orphanet 351, MedGen C0268233, MONDO:0009737, OMIM 256540.

Allele frequency attached by ClinVar (database versions not stated): gnomAD exomes below 0.00001 and 0.00002; TOPMed 0.00001; ExAC 0.00002; gnomAD 0.00002.

Submissions (2):

OLLIN Analises Genomicas, OLLIN
Classification: Pathogenic for Combined deficiency of sialidase AND beta galactosidase. Last evaluated: 2025-12-08. Review status: criteria provided, single submitter. Criteria: ACMG Guidelines 2015 PMID 25741868. Collection method: clinical testing. Allele origin: germline. Affected: yes. Observed: 1 variant allele.
Comment: The frameshift variant (chr20:45895035CT>C), located in exon 11 (of 15), is reported in ClinVar (VCV001073864.7) and gnomAD v4.1 non-UKB with an allele frequency of 0.0015%. However, to our knowledge, this variant has not been reported in the scientific literature. It promotes a frameshift with subsequent introduction of a premature stop codon, resulting in a truncated protein or mRNA degradation via nonsense-mediated decay (NMD). According to currently available evidence, this variant has been classified as pathogenic (PVS1, PM2_P, PM3_P).

Labcorp Genetics (formerly Invitae), Labcorp
Classification: Pathogenic for Combined deficiency of sialidase AND beta galactosidase. Last evaluated: 2024-11-11. Review status: criteria provided, single submitter. Criteria: Invitae Variant Classification Sherloc (09022015). Collection method: clinical testing. Allele origin: germline.
Comment: This sequence change creates a premature translational stop signal (p.Cys349Alafs*36) in the CTSA gene. It is expected to result in an absent or disrupted protein product. Loss-of-function variants in CTSA are known to be pathogenic (PMID: 15110321, 23915561). This variant is present in population databases (rs745743780, gnomAD 0.009%). This variant has not been reported in the literature in individuals affected with CTSA-related conditions. ClinVar contains an entry for this variant (Variation ID: 1073864). For these reasons, this variant has been classified as Pathogenic.

Literature cited by the submitters: PubMed 15110321 (cited by Labcorp Genetics (formerly Invitae), Labcorp); PubMed 23915561 (cited by Labcorp Genetics (formerly Invitae), Labcorp).

NM_000308.4(CTSA):c.991del (p.Cys331fs)

Gene: CTSA (cathepsin A; plus strand). Cytogenetic location: 20q13.12.
Variant type: Deletion.
Coding change: c.991del on transcript NM_000308.4 (MANE Select); coding-DNA position 991, one base deleted (T; older notation c.991delT).
Protein change: p.Cys331fs; shifts the reading frame from cysteine 331.
Molecular consequence: frameshift variant. On other transcripts: non-coding transcript variant (1).
Genome position (GRCh38, 1-based): chr20:45,895,036, T deleted. VCF-style (leftmost placement, unchanged base first): chr20-45895035-CT-C. GRCh37 (hg19) VCF-style: chr20-44523674-CT-C.
Other names: c.991del, p.Cys331fs (NM_001127695.3); c.940del, p.Cys314fs (NM_001167594.3); short protein forms C331fs, C314fs.
Identifiers: ClinVar variation 1073864 (VCV001073864.8), dbSNP rs745743780, ClinGen allele CA9883243.